The following is an entry in ClinVar:

NM_020461.4(TUBGCP6):c.2714_2715delinsAC (p.Gly905Asp)

Gene: TUBGCP6 (tubulin gamma complex component 6; minus strand). Cytogenetic location: 22q13.33.
Variant type: Indel.
Coding change: c.2714_2715delinsAC on transcript NM_020461.4 (MANE Select); coding-DNA positions 2714 to 2715, GG replaced by AC.
Protein change: p.Gly905Asp; replaces glycine 905 with aspartic acid.
Molecular consequence: missense variant.
Genome position (GRCh38, 1-based): chr22:50,221,644-50,221,645, CC replaced by GT on the plus strand (GG replaced by AC on the coding strand, the reverse complement: TUBGCP6 is on the minus strand). VCF-style: chr22-50221644-CC-GT. GRCh37 (hg19) VCF-style: chr22-50660073-CC-GT.
Other names: short protein forms G905D.
Identifiers: ClinVar variation 1377358 (VCV001377358.3), dbSNP rs2147180413, ClinGen allele CA2573158260.

ClinVar aggregate classification (germline): Uncertain significance (1 of 4 stars; one submission).

Submission:

Labcorp Genetics (formerly Invitae), Labcorp
Classification: Uncertain significance. Last evaluated: 2022-10-24. Review status: criteria provided, single submitter. Criteria: Invitae Variant Classification Sherloc (09022015). Collection method: clinical testing. Allele origin: germline.
Comment: This sequence change replaces glycine, which is neutral and non-polar, with aspartic acid, which is acidic and polar, at codon 905 of the TUBGCP6 protein (p.Gly905Asp). This variant is present in population databases (no rsID available, gnomAD 0.2%). This variant has not been reported in the literature in individuals affected with TUBGCP6-related conditions. ClinVar contains an entry for this variant (Variation ID: 1377358). Algorithms developed to predict the effect of missense changes on protein structure and function are either unavailable or do not agree on the potential impact of this missense change (SIFT: "Not Available"; PolyPhen-2: "Benign"; Align-GVGD: "Not Available"). In summary, the available evidence is currently insufficient to determine the role of this variant in disease. Therefore, it has been classified as a Variant of Uncertain Significance.